The following is an entry in ClinVar:

ClinVar aggregate classification (germline): Uncertain significance (1 of 4 stars; one submission).

Submission:

Labcorp Genetics (formerly Invitae), Labcorp
Classification: Uncertain significance. Last evaluated: 2024-10-28. Review status: criteria provided, single submitter. Criteria: Invitae Variant Classification Sherloc (09022015). Collection method: clinical testing. Allele origin: germline.
Comment: This sequence change replaces histidine, which is basic and polar, with tyrosine, which is neutral and polar, at codon 277 of the C8B protein (p.His277Tyr). This variant is present in population databases (rs147387692, gnomAD 0.01%). This variant has not been reported in the literature in individuals affected with C8B-related conditions. ClinVar contains an entry for this variant (Variation ID: 1368096). An algorithm developed to predict the effect of missense changes on protein structure and function (PolyPhen-2) suggests that this variant¬†is likely to be tolerated. In summary, the available evidence is currently insufficient to determine the role of this variant in disease. Therefore, it has been classified as a Variant of Uncertain Significance.

NM_000066.4(C8B):c.829C>T (p.His277Tyr)

Gene: C8B (complement C8 beta chain; minus strand). Cytogenetic location: 1p32.2.
Variant type: single nucleotide variant.
Coding change: c.829C>T on transcript NM_000066.4 (MANE Select); coding-DNA position 829, C replaced by T.
Protein change: p.His277Tyr; replaces histidine 277 with tyrosine.
Molecular consequence: missense variant.
Genome position (GRCh38, 1-based): chr1:56,949,590, G>A on the plus strand (C>T on the coding strand, the complement: C8B is on the minus strand). VCF-style: chr1-56949590-G-A. GRCh37 (hg19) VCF-style: chr1-57415263-G-A.
Other names: c.673C>T, p.His225Tyr (NM_001278543.2); c.643C>T, p.His215Tyr (NM_001278544.2); short protein forms H225Y, H215Y, H277Y.
Identifiers: ClinVar variation 1368096 (VCV001368096.4), dbSNP rs147387692, ClinGen allele CA875854.